The following is an entry in ClinVar:

NM_152722.5(HEPACAM):c.484G>A (p.Glu162Lys)

Gene: HEPACAM (hepatic and glial cell adhesion molecule; minus strand). Cytogenetic location: 11q24.2.
Variant type: single nucleotide variant.
Coding change: c.484G>A on transcript NM_152722.5 (MANE Select); coding-DNA position 484, G replaced by A.
Protein change: p.Glu162Lys; replaces glutamic acid 162 with lysine.
Molecular consequence: missense variant.
Genome position (GRCh38, 1-based): chr11:124,923,954, C>T on the plus strand (G>A on the coding strand, the complement: HEPACAM is on the minus strand). VCF-style: chr11-124923954-C-T. GRCh37 (hg19) VCF-style: chr11-124793850-C-T.
Other names: short protein forms E162K.
Identifiers: ClinVar variation 1510664 (VCV001510664.11), dbSNP rs146398351, ClinGen allele CA6345727.

ClinVar aggregate classification (germline): Uncertain significance. Review status: criteria provided, multiple submitters, no conflicts (2 of 4 stars). 3 submissions from 3 submitters: Uncertain significance (3). Last evaluated 2025-09-05.

Conditions:
Megalencephalic leukoencephalopathy with subcortical cysts 1 (MLC1). Also called: LEUKOENCEPHALOPATHY WITH SWELLING AND CYSTS; VACUOLATING MEGALENCEPHALIC LEUKOENCEPHALOPATHY WITH SUBCORTICAL CYSTS. Identifiers: Orphanet 2478, MedGen C5779875, MONDO:0024555, OMIM 604004.
Megalencephalic leukoencephalopathy with subcortical cysts 2B, remitting, with or without impaired intellectual development. Also called: Megalencephalic leukoencephalopathy with subcortical cysts 2B, remitting, with or without intellectual disability. Identifiers: Orphanet 2478, MedGen C3151356, MONDO:0013491, OMIM 613926.
Megalencephalic leukoencephalopathy with subcortical cysts 2A. Identifiers: Orphanet 2478, MedGen C3151355, MONDO:0013490, OMIM 613925.

Allele frequency attached by ClinVar (database versions not stated): ExAC 0.00003; gnomAD 0.00005; gnomAD exomes 0.00004 and 0.00002; ESP Exome Variant Server 0.00008; TOPMed 0.00003.
gnomAD v4.1: 39 of 1,612,046 alleles (0.0024%); highest among the groups gnomAD compares: South Asian, 0.012%; no homozygotes.

Submissions (3):

Labcorp Genetics (formerly Invitae), Labcorp
Classification: Uncertain significance. Last evaluated: 2025-09-05. Review status: criteria provided, single submitter. Criteria: Invitae Variant Classification Sherloc (09022015). Collection method: clinical testing. Allele origin: germline.
Comment: This sequence change replaces glutamic acid, which is acidic and polar, with lysine, which is basic and polar, at codon 162 of the HEPACAM protein (p.Glu162Lys). This variant is present in population databases (rs146398351, gnomAD 0.01%). This missense change has been observed in individual(s) with developmental conditions (PMID: 33057194, 35982159). ClinVar contains an entry for this variant (Variation ID: 1510664). Invitae Evidence Modeling of protein sequence and biophysical properties (such as structural, functional, and spatial information, amino acid conservation, physicochemical variation, residue mobility, and thermodynamic stability) indicates that this missense variant is not expected to disrupt HEPACAM protein function with a negative predictive value of 95%. In summary, the available evidence is currently insufficient to determine the role of this variant in disease. Therefore, it has been classified as a Variant of Uncertain Significance.

Revvity Omics, Revvity
Classification: Uncertain significance. Last evaluated: 2023-10-30. Review status: criteria provided, single submitter. Criteria: ACMG Guidelines, 2015. Collection method: clinical testing. Allele origin: germline.

Fulgent Genetics
Classification: Uncertain significance for Megalencephalic leukoencephalopathy with subcortical cysts 1; Megalencephalic leukoencephalopathy with subcortical cysts 2A; Megalencephalic leukoencephalopathy with subcortical cysts 2B, remitting, with or without impaired intellectual development. Last evaluated: 2021-08-09. Review status: criteria provided, single submitter. Criteria: ACMG Guidelines, 2015. Collection method: clinical testing. Allele origin: unknown.

Literature cited by the submitters: PubMed 33057194 (cited by Labcorp Genetics (formerly Invitae), Labcorp); PubMed 35982159 (cited by Labcorp Genetics (formerly Invitae), Labcorp).